The following is an entry in ClinVar:

NM_006208.3(ENPP1):c.313+9_313+11delinsT

Gene: ENPP1 (ectonucleotide pyrophosphatase/phosphodiesterase 1; plus strand). Cytogenetic location: 6q23.2.
Variant type: Indel.
Coding change: c.313+9_313+11delinsT on transcript NM_006208.3 (MANE Select); bases 9 to 11 of the intron after coding-DNA position 313, GTG replaced by T.
Molecular consequence: intron variant.
Genome position (GRCh38, 1-based): chr6:131,847,857-131,847,859, GTG replaced by T. VCF-style: chr6-131847857-GTG-T. GRCh37 (hg19) VCF-style: chr6-132168997-GTG-T.
Other names: p.?.
Identifiers: ClinVar variation 4683221 (VCV004683221.1).

ClinVar aggregate classification (germline): Likely benign (1 of 4 stars; one submission).

Submission:

Mayo Clinic Laboratories, Mayo Clinic
Classification: Likely benign. Last evaluated: 2025-06-19. Review status: criteria provided, single submitter. Criteria: ACMG Guidelines, 2015. Collection method: clinical testing. Allele origin: germline. Observed: 1 variant allele.
Comment: BP4, BP7